The following is an entry in ClinVar:

NM_012471.3(TRPC5):c.1727T>A (p.Phe576Tyr)

Gene: TRPC5 (transient receptor potential cation channel subfamily C member 5; minus strand). Cytogenetic location: Xq23.
Variant type: single nucleotide variant.
Coding change: c.1727T>A on transcript NM_012471.3 (MANE Select); coding-DNA position 1727, T replaced by A.
Protein change: p.Phe576Tyr; replaces phenylalanine 576 with tyrosine.
Molecular consequence: missense variant.
Genome position (GRCh38, 1-based): chrX:111,835,090, A>T on the plus strand (T>A on the coding strand, the complement: TRPC5 is on the minus strand). VCF-style: chrX-111835090-A-T. GRCh37 (hg19) VCF-style: chrX-111078318-A-T.
Other names: short protein forms F576Y.
Identifiers: ClinVar variation 3350139 (VCV003350139.1).
Genomic context (GRCh38, chrX:111,835,090, plus strand): 5'-AATTCGTGTCTGGCTTTCACATTGGTGACATATAGATTTAAAAGGCCAAATACAGACCAG[A>T]AGAGTGACTGAAGAGTCTCAAAGAGCCTAAAAGAGATCAAAGAGCAGGTTAGTTAATTCT-3'
Protein context (NP_036603.1, residues 566-586): STLFETLQSL[Phe576Tyr]WSVFGLLNLY

ClinVar aggregate classification (germline): Uncertain significance (0 of 4 stars; one submission).

Conditions:
TRPC5-related disorder. Also called: TRPC5-related condition.

Submission:

PreventionGenetics, part of Exact Sciences
Classification: Uncertain significance for TRPC5-related condition. Last evaluated: 2024-05-30. Review status: no assertion criteria provided. Collection method: clinical testing. Allele origin: germline.
Comment: The TRPC5 c.1727T>A variant is predicted to result in the amino acid substitution p.Phe576Tyr. To our knowledge, this variant has not been reported in the literature or in a large population database, indicating this variant is rare. At this time, the clinical significance of this variant is uncertain due to the absence of conclusive functional and genetic evidence.